The following is an entry in ClinVar:

ClinVar aggregate classification (germline): Benign (1 of 4 stars; one submission).

Allele frequency attached by ClinVar (database versions not stated): 1000 Genomes Project 0.12340; 1000 Genomes Project 30x 0.12570; gnomAD 0.15132; TOPMed 0.15150.
gnomAD v4.1: 220,708 of 1,296,610 alleles (17%); highest among the groups gnomAD compares: Admixed American, 23%; 20,029 homozygotes.

Submission:

Unidad de Genómica Garrahan, Hospital de Pediatría Garrahan
Classification: Benign. Last evaluated: 2024-01-24. Review status: criteria provided, single submitter. Criteria: ACMG Guidelines, 2015. Collection method: clinical testing. Allele origin: germline. Affected: no. Observed: 34 variant alleles.
Comment: This variant is classified as Benign based on local population frequency. This variant was detected in 36% of patients studied by a panel of primary immunodeficiencies. Number of patients: 34. Only high quality variants are reported.

NM_017491.5(WDR1):c.-60G>T

Genes: WDR1 (WD repeat domain 1; minus strand), LOC129992246 (ATAC-STARR-seq lymphoblastoid silent region 15278; plus strand). Cytogenetic location: 4p16.1.
Variant type: single nucleotide variant.
Coding change: c.-60G>T on transcript NM_017491.5 (MANE Select); 60 bases upstream of the start codon, G replaced by T.
Molecular consequence: 5 prime UTR variant.
Genome position (GRCh38, 1-based): chr4:10,116,726, C>A on the plus strand (G>T on the coding strand, the complement: WDR1 is on the minus strand). VCF-style: chr4-10116726-C-A. GRCh37 (hg19) VCF-style: chr4-10118350-C-A.
Other names: c.-60G>T (NM_005112.5).
Identifiers: ClinVar variation 2688205 (VCV002688205.2), dbSNP rs34768406, ClinGen allele CA11679514.
Genomic context (GRCh38, chr4:10,116,726, plus strand): 5'-TCCTCGCCCACTTGTTACCGCGCCGCGCTCGCCGAGAGCCTCCGGGGCCGGCCCGCGCTG[C>A]GAATTACACCTCGCCGAGGCCGAGCCCGGGGACTGGAGCCGGAAGGCGGCACCGGGCGTG-3'